The following is an entry in ClinVar:

NC_000023.11:g.101842764A>G

Gene: NXF5 (nuclear RNA export factor 5; minus strand). Cytogenetic location: Xq22.1.
Variant type: single nucleotide variant.
Molecular consequence: non-coding transcript variant (on NR_028089.1).
Genome position: GRCh38 VCF-style: chrX-101842764-A-G. GRCh37 (hg19) VCF-style: chrX-101097736-A-G.
Identifiers: ClinVar variation 3608299 (VCV003608299.2).

ClinVar aggregate classification (germline): Uncertain significance (1 of 4 stars; one submission).

Submission:

Labcorp Genetics (formerly Invitae), Labcorp
Classification: Uncertain significance. Last evaluated: 2025-12-25. Review status: criteria provided, single submitter. Criteria: Invitae Variant Classification Sherloc (09022015). Collection method: clinical testing. Allele origin: germline.
Comment: This sequence change replaces methionine, which is neutral and non-polar, with threonine, which is neutral and polar, at codon 10 of the NXF5 protein (p.Met10Thr). This variant is not present in population databases (gnomAD no frequency). This variant has not been reported in the literature in individuals affected with NXF5-related conditions. ClinVar contains an entry for this variant (Variation ID: 3608299). An algorithm developed to predict the effect of missense changes on protein structure and function outputs the following: PolyPhen-2: "Benign". The threonine amino acid residue is found in multiple mammalian species, which suggests that this missense change does not adversely affect protein function. In summary, the available evidence is currently insufficient to determine the role of this variant in disease. Therefore, it has been classified as a Variant of Uncertain Significance.